The following is an entry in ClinVar:

ClinVar aggregate classification (germline): Uncertain significance. Review status: criteria provided, single submitter (1 of 4 stars). 2 submissions from 2 submitters: Uncertain significance (1). 1 of the submissions does not count toward it. Last evaluated 2024-01-08.

Conditions:
Autosomal recessive limb-girdle muscular dystrophy type 2C (LGMDR5). Also called: MUSCULAR DYSTROPHY, DUCHENNE-LIKE; MUSCULAR DYSTROPHY, LIMB-GIRDLE, AUTOSOMAL RECESSIVE 5. Identifiers: Orphanet 353, MedGen C0410173, MONDO:0009677, OMIM 253700. Disease mechanism: Affects gamma-sarcoglycan and also disrupts the integrity of the entire sarcoglycan complex..

Allele frequency attached by ClinVar (database versions not stated): ExAC 0.00001; gnomAD 0.00001; gnomAD exomes 0.00001.
gnomAD v4.1: 14 of 1,609,394 alleles (0.00087%); highest among the groups gnomAD compares: Non-Finnish European, 0.00093%; no homozygotes.

Submissions (2):

Labcorp Genetics (formerly Invitae), Labcorp
Classification: Uncertain significance for Autosomal recessive limb-girdle muscular dystrophy type 2C. Last evaluated: 2024-01-08. Review status: criteria provided, single submitter. Criteria: Invitae Variant Classification Sherloc (09022015). Collection method: clinical testing. Allele origin: germline.
Comment: This sequence change replaces valine, which is neutral and non-polar, with leucine, which is neutral and non-polar, at codon 209 of the SGCG protein (p.Val209Leu). This variant is present in population databases (rs563129062, gnomAD 0.008%). This variant has not been reported in the literature in individuals affected with SGCG-related conditions. ClinVar contains an entry for this variant (Variation ID: 644403). Advanced modeling of protein sequence and biophysical properties (such as structural, functional, and spatial information, amino acid conservation, physicochemical variation, residue mobility, and thermodynamic stability) performed at Invitae indicates that this missense variant is not expected to disrupt SGCG protein function with a negative predictive value of 80%. In summary, the available evidence is currently insufficient to determine the role of this variant in disease. Therefore, it has been classified as a Variant of Uncertain Significance.

Natera, Inc.
Classification: Uncertain significance for Limb-girdle muscular dystrophy type 2C. Last evaluated: 2021-02-23. Review status: no assertion criteria provided. Collection method: clinical testing. Allele origin: germline. Not counted in ClinVar's aggregate classification.

NM_000231.3(SGCG):c.625G>T (p.Val209Leu)

Gene: SGCG (sarcoglycan gamma; plus strand). Cytogenetic location: 13q12.12.
Variant type: single nucleotide variant.
Coding change: c.625G>T on transcript NM_000231.3 (MANE Select); coding-DNA position 625, G replaced by T.
Protein change: p.Val209Leu; replaces valine 209 with leucine.
Molecular consequence: missense variant.
Genome position (GRCh38, 1-based): chr13:23,320,683, G>T. VCF-style: chr13-23320683-G-T. GRCh37 (hg19) VCF-style: chr13-23894822-G-T.
Other names: c.679G>T, p.Val227Leu (NM_001378244.1); c.625G>T, p.Val209Leu (NM_001378245.1, NM_001378246.1); short protein forms V209L, V227L.
Identifiers: ClinVar variation 644403 (VCV000644403.10), dbSNP rs563129062, ClinGen allele CA6909799.